The following is an entry in ClinVar:

ClinVar aggregate classification (germline): Pathogenic (1 of 4 stars; one submission).

Submission:

GeneDx
Classification: Pathogenic. Last evaluated: 2021-05-20. Review status: criteria provided, single submitter. Criteria: GeneDx Variant Classification Process June 2021. Collection method: clinical testing. Allele origin: germline. Affected: yes.
Comment: Frameshift variant predicted to result in protein truncation or nonsense mediated decay in a gene for which loss-of-function is a known mechanism of disease; Has not been previously published as pathogenic or benign to our knowledge

NM_007118.4(TRIO):c.7185dup (p.Gly2396fs)

Gene: TRIO (trio Rho guanine nucleotide exchange factor; plus strand). Cytogenetic location: 5p15.2.
Variant type: Duplication.
Coding change: c.7185dup on transcript NM_007118.4 (MANE Select); coding-DNA position 7185, one base duplicated (C; older notation c.7185dupC).
Protein change: p.Gly2396fs; shifts the reading frame from glycine 2396.
Molecular consequence: frameshift variant.
Genome position (GRCh38, 1-based): chr5:14,487,813, C duplicated; the last of 6 consecutive C bases (chr5:14,487,808-14,487,813); duplicating any one gives the same sequence. VCF-style (leftmost placement, unchanged base first): chr5-14487807-G-GC. GRCh37 (hg19) VCF-style: chr5-14487916-G-GC.
Other names: c.7185dupC (NM_007118.2); short protein forms G2396fs.
Identifiers: ClinVar variation 818034 (VCV000818034.2), dbSNP rs1436796227, ClinGen allele CA558340831.